The following is an entry in ClinVar:

NM_003743.5(NCOA1):c.2021G>T (p.Gly674Val)

Gene: NCOA1 (nuclear receptor coactivator 1; plus strand). Cytogenetic location: 2p23.3.
Variant type: single nucleotide variant.
Coding change: c.2021G>T on transcript NM_003743.5 (MANE Select); coding-DNA position 2021, G replaced by T.
Protein change: p.Gly674Val; replaces glycine 674 with valine.
Molecular consequence: missense variant.
Genome position (GRCh38, 1-based): chr2:24,707,491, G>T. VCF-style: chr2-24707491-G-T. GRCh37 (hg19) VCF-style: chr2-24930360-G-T.
Other names: c.2021G>T, p.Gly674Val (NM_001362950.1, NM_001362952.1, NM_001362954.1 and 3 more transcripts); short protein forms G674V.
Identifiers: ClinVar variation 4979029 (VCV004979029.1).

ClinVar aggregate classification (germline): Uncertain significance (1 of 4 stars; one submission).

Conditions:
NCOA1-related disorder. Also called: NCOA1-related condition.

gnomAD v4.1: 6 of 1,614,192 alleles (0.00037%); highest among the groups gnomAD compares: Non-Finnish European, 0.00051%; no homozygotes.

Submission:

PreventionGenetics, part of Exact Sciences
Classification: Uncertain significance for NCOA1-related condition. Last evaluated: 2025-06-18. Review status: criteria provided, single submitter. Criteria: ACMG Guidelines, 2015. Collection method: clinical testing. Allele origin: germline.
Comment: The NCOA1 c.2021G>T variant is predicted to result in the amino acid substitution p.Gly674Val. To our knowledge, this variant has not been reported in the literature. This variant is reported in 0.0018% of alleles in individuals of European (Non-Finnish) descent in gnomAD. At this time, the clinical significance of this variant is uncertain due to the absence of conclusive functional and genetic evidence.